The following is an entry in ClinVar:

NM_004239.4(TRIP11):c.1314+162T>C

Gene: TRIP11 (thyroid hormone receptor interactor 11; minus strand). Cytogenetic location: 14q32.12.
Variant type: single nucleotide variant.
Coding change: c.1314+162T>C on transcript NM_004239.4 (MANE Select); 162 bases into the intron after coding-DNA position 1314, T replaced by C.
Molecular consequence: intron variant.
Genome position (GRCh38, 1-based): chr14:92,010,824, A>G on the plus strand (T>C on the coding strand, the complement: TRIP11 is on the minus strand). VCF-style: chr14-92010824-A-G. GRCh37 (hg19) VCF-style: chr14-92477168-A-G.
Other names: c.1311+162T>C (NM_001321851.1).
Identifiers: ClinVar variation 667785 (VCV000667785.2), dbSNP rs2277526, ClinGen allele CA14070915.
Genomic context (GRCh38, chr14:92,010,824, plus strand): 5'-TGTGCCTACTAGCTTATTTCTAAATACGAACTCAAGCCAGCCACTTATACTCTGAACTTT[A>G]CCCAGGTACTTCCACCTAGCCTGAAAAGCATCAGTGAGATCAGCTTTATTCTAAGGACTT-3'

ClinVar aggregate classification (germline): Benign. Review status: criteria provided, multiple submitters, no conflicts (2 of 4 stars). 2 submissions from 2 submitters: Benign (2). Last evaluated 2018-06-14.

Allele frequency attached by ClinVar (database versions not stated): 1000 Genomes Project 0.63379; 1000 Genomes Project 30x 0.63804; gnomAD 0.64474 and 0.65157; TOPMed 0.64726.
gnomAD v4.1: 97,502 of 151,434 alleles (64%); highest among the groups gnomAD compares: African/African-American, 89%; 33,343 homozygotes.

Submissions (2):

GeneDx
Classification: Benign. Last evaluated: 2018-06-14. Review status: criteria provided, single submitter. Criteria: GeneDx Variant Classification (06012015). Collection method: clinical testing. Allele origin: germline. Affected: yes.
Comment: This variant is considered likely benign or benign based on one or more of the following criteria: it is a conservative change, it occurs at a poorly conserved position in the protein, it is predicted to be benign by multiple in silico algorithms, and/or has population frequency not consistent with disease.

Breakthrough Genomics
Classification: Benign. Review status: criteria provided, single submitter. Criteria: ACMG Guidelines, 2015. Collection method: not provided. Allele origin: germline. Inheritance: Autosomal recessive inheritance. Affected: yes.